The following is an entry in ClinVar:

ClinVar aggregate classification (germline): Uncertain significance (1 of 4 stars; one submission).

Conditions:
Neurofibromatosis, type 1 (NF1). Also called: VON RECKLINGHAUSEN DISEASE; NEUROFIBROMATOSIS, TYPE I, SOMATIC; Peripheral type neurofibromatosis; Neurofibromatosis, type I. Identifiers: Orphanet 636, MedGen C0027831, MONDO:0018975, OMIM 162200. Disease mechanism: loss of function.

gnomAD v4.1: 1 of 1,613,836 alleles (0.000062%); highest among the groups gnomAD compares: Non-Finnish European, 0.000085%; no homozygotes.

Submission:

Labcorp Genetics (formerly Invitae), Labcorp
Classification: Uncertain significance for Neurofibromatosis, type 1. Last evaluated: 2023-05-19. Review status: criteria provided, single submitter. Criteria: Invitae Variant Classification Sherloc (09022015). Collection method: clinical testing. Allele origin: germline.
Comment: ClinVar contains an entry for this variant (Variation ID: 1047829). In summary, the available evidence is currently insufficient to determine the role of this variant in disease. Therefore, it has been classified as a Variant of Uncertain Significance. Advanced modeling of protein sequence and biophysical properties (such as structural, functional, and spatial information, amino acid conservation, physicochemical variation, residue mobility, and thermodynamic stability) performed at Invitae indicates that this missense variant is not expected to disrupt NF1 protein function. This variant has not been reported in the literature in individuals affected with NF1-related conditions. This variant is not present in population databases (gnomAD no frequency). This sequence change replaces serine, which is neutral and polar, with leucine, which is neutral and non-polar, at codon 1933 of the NF1 protein (p.Ser1933Leu).

NM_001042492.3(NF1):c.5861C>T (p.Ser1954Leu)

Gene: NF1 (neurofibromin 1; plus strand). Cytogenetic location: 17q11.2.
Variant type: single nucleotide variant.
Coding change: c.5861C>T on transcript NM_001042492.3 (MANE Select); coding-DNA position 5861, C replaced by T.
Protein change: p.Ser1954Leu; replaces serine 1954 with leucine.
Molecular consequence: missense variant.
Genome position (GRCh38, 1-based): chr17:31,334,886, C>T. VCF-style: chr17-31334886-C-T. GRCh37 (hg19) VCF-style: chr17-29661904-C-T.
Other names: c.5798C>T, p.Ser1933Leu (NM_000267.4); short protein forms S1954L, S1933L.
Identifiers: ClinVar variation 1047829 (VCV001047829.5), dbSNP rs2069602711, ClinGen allele CA399010661.